The following is an entry in ClinVar:

NM_000059.4(BRCA2):c.6361G>T (p.Glu2121Ter)

Gene: BRCA2 (BRCA2 DNA repair associated; plus strand). Cytogenetic location: 13q13.1.
Variant type: single nucleotide variant.
Coding change: c.6361G>T on transcript NM_000059.4 (MANE Select); coding-DNA position 6361, G replaced by T.
Protein change: p.Glu2121Ter; replaces glutamic acid 2121 with a stop codon.
Molecular consequence: nonsense.
Genome position (GRCh38, 1-based): chr13:32,340,716, G>T. VCF-style: chr13-32340716-G-T. GRCh37 (hg19) VCF-style: chr13-32914853-G-T.
Other names: c.6361G>T, p.Glu2121Ter (NM_001406719.1, NM_001406720.1); short protein forms E2121*.
Identifiers: ClinVar variation 2057327 (VCV002057327.4), dbSNP rs587782183, ClinGen allele CA387789147.
Genomic context (GRCh38, chr13:32,340,716, plus strand): 5'-AATGTATCAAAAATACTTCCTCGTGTTGATAAGAGAAACCCAGAGCACTGTGTAAACTCA[G>T]AAATGGAAAAAACCTGCAGTAAAGAATTTAAATTATCAAATAACTTAAATGTTGAAGGTG-3'

ClinVar aggregate classification (germline): Pathogenic (1 of 4 stars; one submission).

Conditions:
Hereditary breast ovarian cancer syndrome. Also called: Breast and ovarian cancer; BRCA1- and BRCA2-Associated Hereditary Breast and Ovarian Cancer; Hereditary breast and ovarian cancer syndrome; Hereditary breast and ovarian cancer; Hereditary breast and ovarian cancer syndrome (HBOC); Hereditary breast and/or ovarian cancer syndrome. Identifiers: Orphanet 145, MedGen C0677776, MeSH D061325, MONDO:0003582. Disease mechanism: loss of function.

Submission:

Labcorp Genetics (formerly Invitae), Labcorp
Classification: Pathogenic for Hereditary breast ovarian cancer syndrome. Last evaluated: 2022-09-26. Review status: criteria provided, single submitter. Criteria: Invitae Variant Classification Sherloc (09022015). Collection method: clinical testing. Allele origin: germline.
Comment: This sequence change creates a premature translational stop signal (p.Glu2121*) in the BRCA2 gene. It is expected to result in an absent or disrupted protein product. Loss-of-function variants in BRCA2 are known to be pathogenic (PMID: 20104584). This variant is not present in population databases (gnomAD no frequency). This variant has not been reported in the literature in individuals affected with BRCA2-related conditions. For these reasons, this variant has been classified as Pathogenic.

Literature cited by the submitters: PubMed 20104584.